The following is an entry in ClinVar:

NM_001003699.4(RREB1):c.2388C>T (p.Ser796=)

Gene: RREB1 (ras responsive element binding protein 1; plus strand). Cytogenetic location: 6p24.3.
Variant type: single nucleotide variant.
Coding change: c.2388C>T on transcript NM_001003699.4 (MANE Select); coding-DNA position 2388, C replaced by T.
Protein change: p.Ser796=; no amino-acid change (serine 796 retained).
Molecular consequence: synonymous variant.
Genome position (GRCh38, 1-based): chr6:7,230,487, C>T. VCF-style: chr6-7230487-C-T. GRCh37 (hg19) VCF-style: chr6-7230720-C-T.
Other names: c.2388C>T, p.Ser796= (NM_001003698.4, NM_001003700.2, NM_001168344.2).
Identifiers: ClinVar variation 3042961 (VCV003042961.16), dbSNP rs34313748, ClinGen allele CA3625798.

ClinVar aggregate classification (germline): Likely benign. Review status: criteria provided, single submitter (1 of 4 stars). 2 submissions from 2 submitters: Likely benign (1). 1 of the submissions does not count toward it. Last evaluated 2024-09-01.

Conditions:
RREB1-related disorder. Also called: RREB1-related condition.

Allele frequency attached by ClinVar (database versions not stated): ESP Exome Variant Server 0.00104; 1000 Genomes Project 0.00120; gnomAD 0.00123; 1000 Genomes Project 30x 0.00125; TOPMed 0.00127.
gnomAD v4.1: 460 of 1,593,404 alleles (0.029%); highest among the groups gnomAD compares: African/African-American, 0.39%; no homozygotes.

Submissions (2):

CeGaT Center for Human Genetics Tuebingen
Classification: Likely benign. Last evaluated: 2024-09-01. Review status: criteria provided, single submitter. Criteria: CeGaT Center For Human Genetics Tuebingen Variant Classification Criteria Version 2. Collection method: clinical testing. Allele origin: germline. Affected: yes. Observed: 1 variant allele.
Comment: RREB1: BP4, BP7

PreventionGenetics, part of Exact Sciences
Classification: Likely benign for RREB1-related condition. Last evaluated: 2019-02-22. Review status: no assertion criteria provided. Collection method: clinical testing. Allele origin: germline. Not counted in ClinVar's aggregate classification.
Comment: This variant is classified as likely benign based on ACMG/AMP sequence variant interpretation guidelines (Richards et al. 2015 PMID: 25741868, with internal and published modifications).